The following is an entry in ClinVar:

ClinVar aggregate classification (germline): Pathogenic (1 of 4 stars; one submission).

Submission:

Labcorp Genetics (formerly Invitae), Labcorp
Classification: Pathogenic. Last evaluated: 2025-03-17. Review status: criteria provided, single submitter. Criteria: Invitae Variant Classification Sherloc (09022015). Collection method: clinical testing. Allele origin: germline.
Comment: This sequence change creates a premature translational stop signal (p.Gln47*) in the GPR143 gene. It is expected to result in an absent or disrupted protein product. Loss-of-function variants in GPR143 are known to be pathogenic (PMID: 15965158, 18978956, 19390656, 21541274, 26160353, 28211458). This variant is not present in population databases (gnomAD no frequency). This variant has not been reported in the literature in individuals affected with GPR143-related conditions. ClinVar contains an entry for this variant (Variation ID: 2127998). For these reasons, this variant has been classified as Pathogenic.

Literature cited by the submitters: PubMed 15965158; PubMed 18978956; PubMed 19390656; PubMed 21541274; PubMed 26160353; PubMed 28211458.

NM_000273.3(GPR143):c.139C>T (p.Gln47Ter)

Gene: GPR143 (G protein-coupled receptor 143; minus strand). Cytogenetic location: Xp22.2.
Variant type: single nucleotide variant.
Coding change: c.139C>T on transcript NM_000273.3 (MANE Select); coding-DNA position 139, C replaced by T.
Protein change: p.Gln47Ter; replaces glutamine 47 with a stop codon.
Molecular consequence: nonsense.
Genome position (GRCh38, 1-based): chrX:9,765,679, G>A on the plus strand (C>T on the coding strand, the complement: GPR143 is on the minus strand). VCF-style: chrX-9765679-G-A. GRCh37 (hg19) VCF-style: chrX-9733719-G-A.
Other names: short protein forms Q47*.
Identifiers: ClinVar variation 2127998 (VCV002127998.4), dbSNP rs2518642222, ClinGen allele CA412000661.